The following is an entry in ClinVar:

ClinVar aggregate classification (germline): Likely benign (0 of 4 stars; one submission).

Conditions:
SIPA1L3-related disorder. Also called: SIPA1L3-related condition.

Allele frequency attached by ClinVar (database versions not stated): gnomAD 0.00004; TOPMed 0.00008; ExAC 0.00018; 1000 Genomes Project 30x 0.00031.
gnomAD v4.1: 67 of 1,583,780 alleles (0.0042%); highest among the groups gnomAD compares: Admixed American, 0.078%; no homozygotes.

Submission:

PreventionGenetics, part of Exact Sciences
Classification: Likely benign for SIPA1L3-related condition. Last evaluated: 2019-03-28. Review status: no assertion criteria provided. Collection method: clinical testing. Allele origin: germline.
Comment: This variant is classified as likely benign based on ACMG/AMP sequence variant interpretation guidelines (Richards et al. 2015 PMID: 25741868, with internal and published modifications).

NM_015073.3(SIPA1L3):c.4866G>A (p.Ser1622=)

Gene: SIPA1L3 (signal induced proliferation associated 1 like 3; plus strand). Cytogenetic location: 19q13.13.
Variant type: single nucleotide variant.
Coding change: c.4866G>A on transcript NM_015073.3 (MANE Select); coding-DNA position 4866, G replaced by A.
Protein change: p.Ser1622=; no amino-acid change (serine 1622 retained).
Molecular consequence: synonymous variant.
Genome position (GRCh38, 1-based): chr19:38,198,414, G>A. VCF-style: chr19-38198414-G-A. GRCh37 (hg19) VCF-style: chr19-38689054-G-A.
Identifiers: ClinVar variation 3046886 (VCV003046886.2), dbSNP rs202019209, ClinGen allele CA9410525.